The following is an entry in ClinVar:

ClinVar aggregate classification (germline): Uncertain significance (1 of 4 stars; one submission).

Conditions:
TTN-related disorder. Also called: TTN-related condition; TTN-related disease; TTN-related disorders.

Allele frequency attached by ClinVar (database versions not stated): gnomAD exomes below 0.00001; TOPMed 0.00001.
gnomAD v4.1: 5 of 1,612,582 alleles (0.00031%); highest among the groups gnomAD compares: Admixed American, 0.0067%; no homozygotes.

Submission:

PreventionGenetics, part of Exact Sciences
Classification: Uncertain significance for TTN-related condition. Last evaluated: 2023-05-18. Review status: criteria provided, single submitter. Criteria: ACMG Guidelines, 2015. Collection method: clinical testing. Allele origin: germline.
Comment: The TTN c.55844T>G variant is predicted to result in the amino acid substitution p.Ile18615Ser. To our knowledge, this variant has not been reported in the literature. This variant is reported in 0.0029% of alleles in individuals of Latino descent in gnomAD. At this time, the clinical significance of this variant is uncertain due to the absence of conclusive functional and genetic evidence.

NM_001267550.2(TTN):c.55844T>G (p.Ile18615Ser)

Genes: TTN (titin; minus strand), TTN-AS1 (TTN antisense RNA 1; plus strand). Cytogenetic location: 2q31.2.
Variant type: single nucleotide variant.
Coding change: c.55844T>G on transcript NM_001267550.2 (MANE Select); coding-DNA position 55844, T replaced by G.
Protein change: p.Ile18615Ser; replaces isoleucine 18615 with serine.
Molecular consequence: missense variant.
Genome position (GRCh38, 1-based): chr2:178,601,060, A>C on the plus strand (T>G on the coding strand, the complement: TTN is on the minus strand). VCF-style: chr2-178601060-A-C. GRCh37 (hg19) VCF-style: chr2-179465787-A-C.
Other names: c.50921T>G, p.Ile16974Ser (NM_001256850.1); c.28649T>G, p.Ile9550Ser (NM_003319.4); c.48140T>G, p.Ile16047Ser (NM_133378.4); c.29024T>G, p.Ile9675Ser (NM_133432.3); c.29225T>G, p.Ile9742Ser (NM_133437.4); short protein forms I16047S, I16974S, I18615S, I9550S, I9675S, I9742S.
Identifiers: ClinVar variation 2629202 (VCV002629202.1), dbSNP rs1474944420, ClinGen allele CA349537285.
Genomic context (GRCh38, chr2:178,601,060, plus strand): 5'-TTGCACTGCCTCCAGGCTTCTTTCTTTGTCCCAGTAGGGTCCCATGCAAGGCACTCAACA[A>C]TATAGTGGGTAACAGGGGAGCCCCCATCATTCTTCGGGGGTTTCCATGACAGATGCACTG-3'
Protein context (NP_001254479.2, residues 18605-18625): NDGGSPVTHY[Ile18615Ser]VECLAWDPTG